The following is an entry in ClinVar:

NM_000059.4(BRCA2):c.7979A>G (p.Tyr2660Cys)

Gene: BRCA2 (BRCA2 DNA repair associated; plus strand). Cytogenetic location: 13q13.1.
Variant type: single nucleotide variant.
Coding change: c.7979A>G on transcript NM_000059.4 (MANE Select); coding-DNA position 7979, A replaced by G.
Protein change: p.Tyr2660Cys; replaces tyrosine 2660 with cysteine.
Molecular consequence: missense variant.
Genome position (GRCh38, 1-based): chr13:32,363,181, A>G. VCF-style: chr13-32363181-A-G. GRCh37 (hg19) VCF-style: chr13-32937318-A-G.
Other names: short protein forms Y2660C.
Identifiers: ClinVar variation 491341 (VCV000491341.20), dbSNP rs1555286930, ClinGen allele CA387748465.

ClinVar aggregate classification (germline): Uncertain significance. Review status: criteria provided, multiple submitters, no conflicts (2 of 4 stars). 3 submissions from 3 submitters: Uncertain significance (3). Last evaluated 2026-06-30.

Conditions:
Hereditary cancer-predisposing syndrome. Also called: Hereditary Cancer Syndrome; Tumor predisposition; Hereditary neoplastic syndrome; Neoplastic Syndromes, Hereditary. Identifiers: Orphanet 140162, MedGen C0027672, MeSH D009386, MONDO:0015356.
Hereditary breast ovarian cancer syndrome. Also called: Hereditary breast and/or ovarian cancer syndrome; Breast and ovarian cancer; BRCA1- and BRCA2-Associated Hereditary Breast and Ovarian Cancer; Hereditary breast and ovarian cancer syndrome (HBOC); Hereditary breast and ovarian cancer syndrome; Hereditary breast and ovarian cancer. Identifiers: Orphanet 145, MedGen C0677776, MeSH D061325, MONDO:0003582. Disease mechanism: loss of function.

Submissions (3):

Ambry Genetics
Classification: Uncertain significance for Hereditary cancer-predisposing syndrome. Last evaluated: 2026-06-30. Review status: criteria provided, single submitter. Criteria: Ambry Variant Classification Scheme 2023. Collection method: clinical testing. Allele origin: germline.
Comment: The p.Y2660C variant (also known as c.7979A>G), located in coding exon 17 of the BRCA2 gene, results from an A to G substitution at nucleotide position 7979. The tyrosine at codon 2660 is replaced by cysteine, an amino acid with highly dissimilar properties. Two saturation genome editing-based studies, including a haploid cell-survival assay and a humanized mouse embryonic stem cell line assay of drug response and survival, demonstrate that this nucleotide substitution is non-functional (Huang H et al. Nature, 2025 Feb;638:528-537; Sahu S et al. Nature, 2025 Feb;638:538-545). However, this variant demonstrated an intermediate impact in a homology-directed repair assay (Ambry internal data). This amino acid position is highly conserved in available vertebrate species. In addition, this alteration is predicted to be deleterious by in silico analysis. Based on the available evidence, the clinical significance of this variant remains unclear.

Labcorp Genetics (formerly Invitae), Labcorp
Classification: Uncertain significance for Hereditary breast ovarian cancer syndrome. Last evaluated: 2023-09-06. Review status: criteria provided, single submitter. Criteria: Invitae Variant Classification Sherloc (09022015). Collection method: clinical testing. Allele origin: germline.
Comment: This sequence change replaces tyrosine, which is neutral and polar, with cysteine, which is neutral and slightly polar, at codon 2660 of the BRCA2 protein (p.Tyr2660Cys). This variant is not present in population databases (gnomAD no frequency). This variant has not been reported in the literature in individuals affected with BRCA2-related conditions. ClinVar contains an entry for this variant (Variation ID: 491341). An algorithm developed to predict the effect of missense changes on protein structure and function (PolyPhen-2) suggests that this variant is likely to be disruptive. This variant disrupts the p.Tyr2660 amino acid residue in BRCA2. Other variant(s) that disrupt this residue have been determined to be pathogenic (PMID: 16683254, 19200354, 19563646, 20406929). This suggests that this residue is clinically significant, and that variants that disrupt this residue are likely to be disease-causing. In summary, the available evidence is currently insufficient to determine the role of this variant in disease. Therefore, it has been classified as a Variant of Uncertain Significance.

Color Diagnostics, LLC DBA Color Health
Classification: Uncertain significance for Hereditary cancer-predisposing syndrome. Last evaluated: 2019-05-05. Review status: criteria provided, single submitter. Criteria: ACMG Guidelines, 2015. Collection method: clinical testing. Allele origin: germline.

Literature cited by the submitters: PubMed 16683254 (cited by Ambry Genetics and Labcorp Genetics (formerly Invitae), Labcorp); PubMed 19200354 (cited by Ambry Genetics and Labcorp Genetics (formerly Invitae), Labcorp); PubMed 19563646 (cited by Ambry Genetics and Labcorp Genetics (formerly Invitae), Labcorp); PubMed 20406929 (cited by Ambry Genetics and Labcorp Genetics (formerly Invitae), Labcorp); PubMed 29884841 (cited by Ambry Genetics); PubMed 29988080 (cited by Ambry Genetics); PubMed 37731132 (cited by Ambry Genetics); PubMed 39779848 (cited by Ambry Genetics); PubMed 39779857 (cited by Ambry Genetics).